The following is an entry in ClinVar:

NM_001943.5(DSG2):c.27C>A (p.Tyr9Ter)

Genes: DSG2 (desmoglein 2; plus strand), LOC130062340 (ATAC-STARR-seq lymphoblastoid silent region 9384; plus strand). Cytogenetic location: 18q12.1.
Variant type: single nucleotide variant.
Coding change: c.27C>A on transcript NM_001943.5 (MANE Select); coding-DNA position 27, C replaced by A.
Protein change: p.Tyr9Ter; replaces tyrosine 9 with a stop codon.
Molecular consequence: nonsense.
Genome position (GRCh38, 1-based): chr18:31,498,278, C>A. VCF-style: chr18-31498278-C-A. GRCh37 (hg19) VCF-style: chr18-29078241-C-A.
Other names: short protein forms Y9*.
Identifiers: ClinVar variation 1455568 (VCV001455568.6), dbSNP rs1452179158, ClinGen allele CA402127606.

ClinVar aggregate classification (germline): Pathogenic (1 of 4 stars; one submission).

Conditions:
Arrhythmogenic right ventricular dysplasia 10. Also called: Arrhythmogenic Right Ventricular Dysplasia/Cardiomyopathy10; ARRHYTHMOGENIC RIGHT VENTRICULAR DYSPLASIA, FAMILIAL, 10; Arrhythmogenic right ventricular dysplasia/cardiomyopathy, type 10. Identifiers: MedGen C1857777, MONDO:0012434, OMIM 610193.

Submission:

Labcorp Genetics (formerly Invitae), Labcorp
Classification: Pathogenic for Arrhythmogenic right ventricular dysplasia 10. Last evaluated: 2026-01-12. Review status: criteria provided, single submitter. Criteria: Invitae Variant Classification Sherloc (09022015). Collection method: clinical testing. Allele origin: germline.
Comment: This sequence change creates a premature translational stop signal (p.Tyr9*) in the DSG2 gene. It is expected to result in an absent or disrupted protein product. Loss-of-function variants in DSG2 are known to be pathogenic (PMID: 17105751, 31386562). This variant is not present in population databases (gnomAD no frequency). This variant has not been reported in the literature in individuals affected with DSG2-related conditions. ClinVar contains an entry for this variant (Variation ID: 1455568). For these reasons, this variant has been classified as Pathogenic.

Literature cited by the submitters: PubMed 17105751; PubMed 31386562.